The following is an entry in ClinVar:

ClinVar aggregate classification (germline): Uncertain significance. Review status: criteria provided, multiple submitters, no conflicts (2 of 4 stars). 2 submissions from 2 submitters: Uncertain significance (2). Last evaluated 2025-02-27.

Conditions:
Dilated cardiomyopathy 1DD (CMD1DD). Identifiers: Orphanet 154, MedGen C2750995, MONDO:0013168, OMIM 613172.

Allele frequency attached by ClinVar (database versions not stated): gnomAD exomes below 0.00001.
gnomAD v4.1: 1 of 1,551,670 alleles (0.000064%); highest among the groups gnomAD compares: Non-Finnish European, 0.000087%; no homozygotes.

Submissions (2):

Labcorp Genetics (formerly Invitae), Labcorp
Classification: Uncertain significance for Dilated cardiomyopathy 1DD. Last evaluated: 2025-02-27. Review status: criteria provided, single submitter. Criteria: Invitae Variant Classification Sherloc (09022015). Collection method: clinical testing. Allele origin: germline.
Comment: This sequence change replaces glycine, which is neutral and non-polar, with valine, which is neutral and non-polar, at codon 249 of the RBM20 protein (p.Gly249Val). This variant is not present in population databases (gnomAD no frequency). This variant has not been reported in the literature in individuals affected with RBM20-related conditions. ClinVar contains an entry for this variant (Variation ID: 44026). Invitae Evidence Modeling of protein sequence and biophysical properties (such as structural, functional, and spatial information, amino acid conservation, physicochemical variation, residue mobility, and thermodynamic stability) indicates that this missense variant is not expected to disrupt RBM20 protein function with a negative predictive value of 95%. In summary, the available evidence is currently insufficient to determine the role of this variant in disease. Therefore, it has been classified as a Variant of Uncertain Significance.

Laboratory for Molecular Medicine, Mass General Brigham Personalized Medicine
Classification: Uncertain significance. Last evaluated: 2012-11-07. Review status: criteria provided, single submitter. Criteria: LMM Criteria. Collection method: clinical testing. Allele origin: germline. Observed: 1 variant allele.
Comment: The Gly249Val variant in RBM20 has not been reported in the literature nor previ ously identified by our laboratory. This variant has not been identified in larg e and broad European American and African American populations by the NHLBI Exom e Sequencing Project. The affected amino aci d is not well conserved in evolution with the variant amino acid being present i n other species. This suggests that this change is tolerated though this inform ation is not predictive enough to rule out pathogenicity. In summary, additional information is needed to fully assess the clinical significance of this variant .

NM_001134363.3(RBM20):c.746G>T (p.Gly249Val)

Gene: RBM20 (RNA binding motif protein 20; plus strand). Cytogenetic location: 10q25.2.
Variant type: single nucleotide variant.
Coding change: c.746G>T on transcript NM_001134363.3 (MANE Select); coding-DNA position 746, G replaced by T.
Protein change: p.Gly249Val; replaces glycine 249 with valine.
Molecular consequence: missense variant.
Genome position (GRCh38, 1-based): chr10:110,781,355, G>T. VCF-style: chr10-110781355-G-T. GRCh37 (hg19) VCF-style: chr10-112541113-G-T.
Other names: short protein forms G249V.
Identifiers: ClinVar variation 44026 (VCV000044026.8), dbSNP rs397516623, ClinGen allele CA133414.